The following is an entry in ClinVar:

NM_013335.4(GMPPA):c.853+18A>G

Genes: ASIC4-AS1 (ASIC4 antisense RNA 1; minus strand), GMPPA (GDP-mannose pyrophosphorylase A; plus strand). Cytogenetic location: 2q35.
Variant type: single nucleotide variant.
Coding change: c.853+18A>G on transcript NM_013335.4 (MANE Select); 18 bases into the intron after coding-DNA position 853, A replaced by G.
Molecular consequence: intron variant.
Genome position (GRCh38, 1-based): chr2:219,505,573, A>G. VCF-style: chr2-219505573-A-G. GRCh37 (hg19) VCF-style: chr2-220370295-A-G.
Other names: c.853+18A>G (NM_205847.3).
Identifiers: ClinVar variation 513493 (VCV000513493.1), dbSNP rs369043140, ClinGen allele CA2128309.

ClinVar aggregate classification (germline): Likely benign (1 of 4 stars; one submission).

Allele frequency attached by ClinVar (database versions not stated): gnomAD exomes 0.00001; ExAC 0.00003; gnomAD 0.00003; TOPMed 0.00005; ESP Exome Variant Server 0.00008.
gnomAD v4.1: 10 of 1,569,518 alleles (0.00064%); highest among the groups gnomAD compares: Non-Finnish European, 0.00078%; no homozygotes.

Submission:

GeneDx
Classification: Likely benign. Last evaluated: 2017-12-01. Review status: criteria provided, single submitter. Criteria: GeneDx Variant Classification (06012015). Collection method: clinical testing. Allele origin: germline. Affected: yes.
Comment: This variant is considered likely benign or benign based on one or more of the following criteria: it is a conservative change, it occurs at a poorly conserved position in the protein, it is predicted to be benign by multiple in silico algorithms, and/or has population frequency not consistent with disease.